The following is an entry in ClinVar:

ClinVar aggregate classification (germline): Uncertain significance (1 of 4 stars; one submission).

Allele frequency attached by ClinVar (database versions not stated): gnomAD exomes below 0.00001; gnomAD 0.00001.
gnomAD v4.1: 3 of 1,549,550 alleles (0.00019%); highest among the groups gnomAD compares: Admixed American, 0.0059%; no homozygotes.

Submission:

Labcorp Genetics (formerly Invitae), Labcorp
Classification: Uncertain significance. Last evaluated: 2022-05-05. Review status: criteria provided, single submitter. Criteria: Invitae Variant Classification Sherloc (09022015). Collection method: clinical testing. Allele origin: germline.
Comment: This variant has not been reported in the literature in individuals affected with RNASET2-related conditions. Algorithms developed to predict the effect of missense changes on protein structure and function are either unavailable or do not agree on the potential impact of this missense change (SIFT: "Tolerated"; PolyPhen-2: "Not Available"; Align-GVGD: "Class C0"). In summary, the available evidence is currently insufficient to determine the role of this variant in disease. Therefore, it has been classified as a Variant of Uncertain Significance. This sequence change replaces alanine, which is neutral and non-polar, with threonine, which is neutral and polar, at codon 4 of the RNASET2 protein (p.Ala4Thr). The frequency data for this variant in the population databases is considered unreliable, as metrics indicate poor data quality at this position in the gnomAD database.

NM_003730.6(RNASET2):c.10G>A (p.Ala4Thr)

Gene: RNASET2 (ribonuclease T2; minus strand). Cytogenetic location: 6q27.
Variant type: single nucleotide variant.
Coding change: c.10G>A on transcript NM_003730.6 (MANE Select); coding-DNA position 10, G replaced by A.
Protein change: p.Ala4Thr; replaces alanine 4 with threonine.
Molecular consequence: missense variant.
Genome position (GRCh38, 1-based): chr6:166,956,173, C>T on the plus strand (G>A on the coding strand, the complement: RNASET2 is on the minus strand). VCF-style: chr6-166956173-C-T. GRCh37 (hg19) VCF-style: chr6-167369661-C-T.
Other names: short protein forms A4T.
Identifiers: ClinVar variation 2134073 (VCV002134073.4), dbSNP rs1233809644, ClinGen allele CA366408526.